The following is an entry in ClinVar:

ClinVar aggregate classification (germline): Uncertain significance (1 of 4 stars; one submission).

Conditions:
Neuromuscular disease and ocular or auditory anomalies with or without seizures. Also called: NEUROMUSCULAR OCULOAUDITORY SYNDROME. Identifiers: MedGen C5231483, MONDO:0032890, OMIM 618733.

Submission:

Laboratorio de Genetica e Diagnostico Molecular, Hospital Israelita Albert Einstein
Classification: Uncertain significance for Neuromuscular disease and ocular or auditory anomalies with or without seizures. Last evaluated: 2024-04-19. Review status: criteria provided, single submitter. Criteria: ACMG Guidelines, 2015. Collection method: clinical testing. Allele origin: germline. Affected: yes.
Comment: ACMG classification criteria: PM2 supporting, PP2 supporting, PP3 supporting

NM_003587.5(DHX16):c.2183G>C (p.Arg728Pro)

Gene: DHX16 (DEAH-box helicase 16; minus strand). Cytogenetic location: 6p21.33.
Variant type: single nucleotide variant.
Coding change: c.2183G>C on transcript NM_003587.5 (MANE Select); coding-DNA position 2183, G replaced by C.
Protein change: p.Arg728Pro; replaces arginine 728 with proline.
Molecular consequence: missense variant.
Genome position (GRCh38, 1-based): chr6:30,656,725, C>G on the plus strand (G>C on the coding strand, the complement: DHX16 is on the minus strand). VCF-style: chr6-30656725-C-G. GRCh37 (hg19) VCF-style: chr6-30624502-C-G.
Other names: c.2003G>C, p.Arg668Pro (NM_001164239.2); c.740G>C, p.Arg247Pro (NM_001363515.2); short protein forms R247P, R668P, R728P.
Identifiers: ClinVar variation 3901947 (VCV003901947.1).